The following is an entry in ClinVar:

NM_000540.3(RYR1):c.7835+5A>G

Gene: RYR1 (ryanodine receptor 1; plus strand). Cytogenetic location: 19q13.2.
Variant type: single nucleotide variant.
Coding change: c.7835+5A>G on transcript NM_000540.3 (MANE Select); 5 bases into the intron after coding-DNA position 7835, A replaced by G.
Molecular consequence: intron variant.
Genome position (GRCh38, 1-based): chr19:38,502,732, A>G. VCF-style: chr19-38502732-A-G. GRCh37 (hg19) VCF-style: chr19-38993372-A-G.
Other names: c.7835+5A>G (NM_001042723.2).
Identifiers: ClinVar variation 93292 (VCV000093292.37), dbSNP rs1469695, ClinGen allele CA024854.
Genomic context (GRCh38, chr19:38,502,732, plus strand): 5'-TCGCTCACCAAGGCGCAGCGTGACGTCATCGAGGACTGCCTCATGTCGCTCTGCAGGTGG[A>G]GCGGGGCAGGCTTCAGGGTGGGGCAGGGGCAGGGGCAGGGGCAGGGGCAGGGGCAGGGGC-3'

ClinVar aggregate classification (germline): Benign. Review status: criteria provided, multiple submitters, no conflicts (2 of 4 stars). 20 submissions from 17 submitters: Benign (16). 4 of the submissions do not count toward it. Last evaluated 2026-02-04.

Conditions:
Central core myopathy (CMYO1A). Also called: CONGENITAL MYOPATHY 1A, AUTOSOMAL DOMINANT, WITH SUSCEPTIBILITY TO MALIGNANT HYPERTHERMIA; Central core disease; Myopathy, central fibrillar. Identifiers: Orphanet 597, MedGen C5830701, MONDO:0007294, OMIM 117000.
Congenital multicore myopathy with external ophthalmoplegia (CMYO1B). Also called: MULTIMINICORE DISEASE WITH EXTERNAL OPHTHALMOPLEGIA; MULTICORE MYOPATHY; Minicore myopathy with external ophthalmoplegia; Congenital myopathy 1B, autosomal recessive; Minicore myopathy. Identifiers: Orphanet 598, Orphanet 98905, MedGen C1850674, MONDO:0009712, OMIM 255320, HP:0003789.
Malignant hyperthermia, susceptibility to, 1 (MHS1). Also called: Malignant hyperthermia suceptibility 1; Anesthesia related hyperthermia; Malignant hyperpyrexia; Fulminating hyperpyrexia; Pharmacogenic myopathy; RYR1-Related Malignant Hyperthermia Susceptibility. Identifiers: Orphanet 423, MedGen C2930980, MONDO:0007783, OMIM 145600.
RYR1-related disorder. Also called: RYR1-related condition; RYR1-related disorders. Identifiers: MedGen CN239331.
King Denborough syndrome (KDS). Identifiers: MedGen C1840365, MONDO:0020485, OMIM 619542.

Allele frequency attached by ClinVar (database versions not stated): ESP Exome Variant Server 0.31398; gnomAD exomes 0.31451 and 0.33490; ExAC 0.33658; TOPMed 0.35140; gnomAD 0.38217 and 0.38931; 1000 Genomes Project 0.42192.
gnomAD v4.1: 456,456 of 1,416,812 alleles (32%); highest among the groups gnomAD compares: African/African-American, 49%; 70,145 homozygotes.

Submissions (20):

Labcorp Genetics (formerly Invitae), Labcorp
Classification: Benign for RYR1-related disorder. Last evaluated: 2026-02-04. Review status: criteria provided, single submitter. Criteria: Invitae Variant Classification Sherloc (09022015). Collection method: clinical testing. Allele origin: germline.

Blueprint Genetics
Classification: Benign. Last evaluated: 2024-11-28. Review status: criteria provided, single submitter. Criteria: ACMG Guidelines, 2015. Collection method: clinical testing. Allele origin: germline.

Genome-Nilou Lab
Classification: Benign for Central core myopathy. Last evaluated: 2021-11-07. Review status: criteria provided, single submitter. Criteria: ACMG Guidelines, 2015. Collection method: clinical testing. Allele origin: germline. Affected: no.

Genome-Nilou Lab
Classification: Benign for King Denborough syndrome. Last evaluated: 2021-11-07. Review status: criteria provided, single submitter. Criteria: ACMG Guidelines, 2015. Collection method: clinical testing. Allele origin: germline. Affected: no.

Genome-Nilou Lab
Classification: Benign for Congenital multicore myopathy with external ophthalmoplegia. Last evaluated: 2021-11-07. Review status: criteria provided, single submitter. Criteria: ACMG Guidelines, 2015. Collection method: clinical testing. Allele origin: germline. Affected: no.

Institute of Human Genetics, University of Leipzig Medical Center
Classification: Benign for Malignant hyperthermia, susceptibility to, 1. Last evaluated: 2019-01-01. Review status: criteria provided, single submitter. Criteria: ACMG Guidelines, 2015. Collection method: clinical testing. Allele origin: unknown. Affected: yes.

PreventionGenetics, part of Exact Sciences
Classification: Benign. Last evaluated: 2018-04-03. Review status: criteria provided, single submitter. Criteria: ACMG Guidelines, 2015. Collection method: clinical testing. Allele origin: germline.

Color Diagnostics, LLC DBA Color Health
Classification: Benign for Malignant hyperthermia, susceptibility to, 1. Last evaluated: 2018-03-05. Review status: criteria provided, single submitter. Criteria: ACMG Guidelines, 2015. Collection method: clinical testing. Allele origin: germline.

Illumina Laboratory Services, Illumina
Classification: Benign for Malignant hyperthermia, susceptibility to, 1. Last evaluated: 2018-01-13. Review status: criteria provided, single submitter. Criteria: ICSL Variant Classification Criteria 13 December 2019. Collection method: clinical testing. Allele origin: germline.
Comment: This variant was observed in the ICSL laboratory as part of a predisposition screen in an ostensibly healthy population. It had not been previously curated by ICSL or reported in the Human Gene Mutation Database (HGMD: prior to June 1st, 2018), and was therefore a candidate for classification through an automated scoring system. Utilizing variant allele frequency, disease prevalence and penetrance estimates, and inheritance mode, an automated score was calculated to assess if this variant is too frequent to cause the disease. Based on the score and internal cut-off values, a variant classified as benign is not then subjected to further curation. The score for this variant resulted in a classification of benign for this disease.

Illumina Laboratory Services, Illumina
Classification: Benign for Congenital multicore myopathy with external ophthalmoplegia. Last evaluated: 2018-01-13. Review status: criteria provided, single submitter. Criteria: ICSL Variant Classification Criteria 13 December 2019. Collection method: clinical testing. Allele origin: germline.
Comment: the same text as in the submission from Illumina Laboratory Services, Illumina above.

Mayo Clinic Laboratories, Mayo Clinic
Classification: Benign. Last evaluated: 2017-10-02. Review status: criteria provided, single submitter. Criteria: ACMG Guidelines, 2015. Collection method: clinical testing. Allele origin: germline. Observed: 415 variant alleles.

GeneDx
Classification: Benign. Last evaluated: 2016-01-25. Review status: criteria provided, single submitter. Criteria: GeneDx Variant Classification (06012015). Collection method: clinical testing. Allele origin: germline. Affected: yes.
Comment: This variant is considered likely benign or benign based on one or more of the following criteria: it is a conservative change, it occurs at a poorly conserved position in the protein, it is predicted to be benign by multiple in silico algorithms, and/or has population frequency not consistent with disease.

Laboratory for Molecular Medicine, Mass General Brigham Personalized Medicine
Classification: Benign. Last evaluated: 2015-01-13. Review status: criteria provided, single submitter. Criteria: LMM Criteria. Collection method: clinical testing. Allele origin: germline. Observed: 4 variant alleles.
Comment: c.7835+5A>G in intron 48 of RYR1: This variant is not expected to have clinical significance because it has been identified in 44.2% (1949/4406) of African Amer ican chromosomes from a broad population by the NHLBI Exome Sequencing Project (dbSNP rs1469695).

Eurofins Ntd Llc (ga)
Classification: Benign. Last evaluated: 2014-06-06. Review status: criteria provided, single submitter. Criteria: EGL Classification Definitions 2015. Collection method: clinical testing. Allele origin: germline. Observed: 17 variant alleles, 12 heterozygotes, 5 homozygotes.

Genetic Services Laboratory, University of Chicago
Classification: Benign. Last evaluated: 2013-08-15. Review status: criteria provided, single submitter. Criteria: ACMG Guidelines, 2007. Collection method: clinical testing. Allele origin: germline. Inheritance: Autosomal unknown.

Breakthrough Genomics
Classification: Benign. Review status: criteria provided, single submitter. Criteria: ACMG Guidelines, 2015. Collection method: not provided. Allele origin: germline. Inheritance: Autosomal recessive inheritance. Affected: yes.

Clinical Genetics, Academic Medical Center
Classification: Benign. Review status: no assertion criteria provided. Collection method: clinical testing. Allele origin: germline. Affected: yes. Study: VKGL Data-share Consensus. Not counted in ClinVar's aggregate classification.

Department of Pathology and Laboratory Medicine, Sinai Health System
Classification: Uncertain significance. Review status: no assertion criteria provided. Collection method: clinical testing. Allele origin: unknown. Affected: yes. Study: The Canadian Open Genetics Repository (COGR). Not counted in ClinVar's aggregate classification.
Comment: Allele frequency is common in at least one population database (frequency: 46.669% in ExAC) based on the frequency threshold of 2.223% for this gene. Variant was observed in a homozygous state in population databases more than expected for disease. 9 reputable source/s reports the variant as benign, but the evidence is not available to the laboratory to perform an independent evaluation.

Joint Genome Diagnostic Labs from Nijmegen and Maastricht, Radboudumc and MUMC+
Classification: Benign. Review status: no assertion criteria provided. Collection method: clinical testing. Allele origin: germline. Affected: yes. Study: VKGL Data-share Consensus. Not counted in ClinVar's aggregate classification.

RYR1 database
No classification provided. Review status: no classification provided. Collection method: not provided. Allele origin: unknown. Not counted in ClinVar's aggregate classification.